The following is an entry in ClinVar:

NM_002474.3(MYH11):c.5279G>A (p.Arg1760His)

Genes: MYH11 (myosin heavy chain 11; minus strand), NDE1 (nudE neurodevelopment protein 1; plus strand). Cytogenetic location: 16p13.11.
Variant type: single nucleotide variant.
Coding change: c.5279G>A on transcript NM_002474.3 (MANE Select); coding-DNA position 5279, G replaced by A.
Protein change: p.Arg1760His; replaces arginine 1760 with histidine.
Molecular consequence: missense variant. On other transcripts: intron variant (2).
Genome position (GRCh38, 1-based): chr16:15,718,331, C>T on the plus strand (G>A on the coding strand, the complement: MYH11 is on the minus strand). VCF-style: chr16-15718331-C-T. GRCh37 (hg19) VCF-style: chr16-15812188-C-T.
Other names: c.5300G>A, p.Arg1767His (NM_001040113.2, NM_001040114.2); c.5279G>A, p.Arg1760His (NM_022844.3); c.948-5860C>T (NM_001143979.2, NM_017668.3); short protein forms R1767H, R1760H.
Identifiers: ClinVar variation 2448076 (VCV002448076.8), dbSNP rs1445320074, ClinGen allele CA394849851.

ClinVar aggregate classification (germline): Uncertain significance. Review status: criteria provided, multiple submitters, no conflicts (2 of 4 stars). 5 submissions from 5 submitters: Uncertain significance (5). Last evaluated 2026-01-06.

Conditions:
Aortic aneurysm, familial thoracic 4 (AAT4). Also called: AORTIC ANEURYSM/AORTIC DISSECTION AND PATENT DUCTUS ARTERIOSUS. Identifiers: MedGen C1851504, MONDO:0007568, OMIM 132900.
Familial thoracic aortic aneurysm and aortic dissection (TAAD). Also called: Thoracic aortic aneurysms and dissections. Identifiers: Orphanet 91387, MedGen C4707243, MONDO:0019625.

Allele frequency attached by ClinVar (database versions not stated): TOPMed below 0.00001; gnomAD exomes 0.00001.
gnomAD v4.1: 16 of 1,608,882 alleles (0.00099%); highest among the groups gnomAD compares: Middle Eastern, 0.017%; no homozygotes.

Submissions (5):

GeneDx
Classification: Uncertain significance. Last evaluated: 2026-01-06. Review status: criteria provided, single submitter. Criteria: GeneDx Variant Classification Process June 2021. Collection method: clinical testing. Allele origin: germline. Affected: yes.
Comment: Not observed at significant frequency in large population cohorts (gnomAD); In silico analysis supports that this missense variant has a deleterious effect on protein structure/function; Has not been previously published as pathogenic or benign to our knowledge; This variant is associated with the following publications: (PMID: 21529752)

Color Diagnostics, LLC DBA Color Health
Classification: Uncertain significance for Familial thoracic aortic aneurysm and aortic dissection. Last evaluated: 2025-05-30. Review status: criteria provided, single submitter. Criteria: ACMG Guidelines, 2015. Collection method: clinical testing. Allele origin: germline.
Comment: This missense variant replaces arginine with histidine at codon 1767 of the MYH11 protein. Computational prediction suggests that this variant may have a deleterious impact on protein structure and function. To our knowledge, functional studies have not been reported for this variant. This variant has not been reported in individuals affected with MYH11-related disorders in the literature. This variant has not been identified in the general population by the Genome Aggregation Database (gnomAD). The available evidence is insufficient to determine the role of this variant in disease conclusively. Therefore, this variant is classified as a Variant of Uncertain Significance.

Labcorp Genetics (formerly Invitae), Labcorp
Classification: Uncertain significance for Aortic aneurysm, familial thoracic 4. Last evaluated: 2024-10-03. Review status: criteria provided, single submitter. Criteria: Invitae Variant Classification Sherloc (09022015). Collection method: clinical testing. Allele origin: germline.
Comment: This sequence change replaces arginine, which is basic and polar, with histidine, which is basic and polar, at codon 1767 of the MYH11 protein (p.Arg1767His). This variant is not present in population databases (gnomAD no frequency). This variant has not been reported in the literature in individuals affected with MYH11-related conditions. ClinVar contains an entry for this variant (Variation ID: 2448076). Invitae Evidence Modeling of protein sequence and biophysical properties (such as structural, functional, and spatial information, amino acid conservation, physicochemical variation, residue mobility, and thermodynamic stability) indicates that this missense variant is not expected to disrupt MYH11 protein function with a negative predictive value of 80%. In summary, the available evidence is currently insufficient to determine the role of this variant in disease. Therefore, it has been classified as a Variant of Uncertain Significance.

Blueprint Genetics
Classification: Uncertain significance. Last evaluated: 2023-06-21. Review status: criteria provided, single submitter. Criteria: ACMG Guidelines, 2015. Collection method: clinical testing. Allele origin: germline.

Ambry Genetics
Classification: Uncertain significance for Familial thoracic aortic aneurysm and aortic dissection. Last evaluated: 2022-12-31. Review status: criteria provided, single submitter. Criteria: Ambry Variant Classification Scheme 2023. Collection method: clinical testing. Allele origin: germline.
Comment: The p.R1760H variant (also known as c.5279G>A), located in coding exon 36 of the MYH11 gene, results from a G to A substitution at nucleotide position 5279. The arginine at codon 1760 is replaced by histidine, an amino acid with highly similar properties. This amino acid position is conserved. In addition, the in silico prediction for this alteration is inconclusive. Since supporting evidence is limited at this time, the clinical significance of this alteration remains unclear.